The following is an entry in ClinVar:

ClinVar aggregate classification (germline): Uncertain significance (1 of 4 stars; one submission).

Conditions:
EGFR-related lung cancer (EGFR). Identifiers: MedGen CN130014.

Submission:

Labcorp Genetics (formerly Invitae), Labcorp
Classification: Uncertain significance for EGFR-related lung cancer. Last evaluated: 2020-07-23. Review status: criteria provided, single submitter. Criteria: Invitae Variant Classification Sherloc (09022015). Collection method: clinical testing. Allele origin: germline.
Comment: Algorithms developed to predict the effect of missense changes on protein structure and function (SIFT, PolyPhen-2, Align-GVGD) all suggest that this variant is likely to be tolerated, but these predictions have not been confirmed by published functional studies and their clinical significance is uncertain. Algorithms developed to predict the effect of sequence changes on RNA splicing suggest that this variant may create or strengthen a splice site, but this prediction has not been confirmed by published transcriptional studies. In summary, the available evidence is currently insufficient to determine the role of this variant in disease. Therefore, it has been classified as a Variant of Uncertain Significance. This sequence change replaces lysine with arginine at codon 846 of the EGFR protein (p.Lys846Arg). The lysine residue is highly conserved and there is a small physicochemical difference between lysine and arginine. This variant is not present in population databases (ExAC no frequency). This variant has not been reported in the literature in individuals with EGFR-related conditions.

NM_005228.5(EGFR):c.2537A>G (p.Lys846Arg)

Gene: EGFR (epidermal growth factor receptor; plus strand). Cytogenetic location: 7p11.2.
Variant type: single nucleotide variant.
Coding change: c.2537A>G on transcript NM_005228.5 (MANE Select); coding-DNA position 2537, A replaced by G.
Protein change: p.Lys846Arg; replaces lysine 846 with arginine.
Molecular consequence: missense variant.
Genome position (GRCh38, 1-based): chr7:55,191,786, A>G. VCF-style: chr7-55191786-A-G. GRCh37 (hg19) VCF-style: chr7-55259479-A-G.
Other names: c.2402A>G, p.Lys801Arg (NM_001346897.2, NM_001346899.2); c.2537A>G, p.Lys846Arg (NM_001346898.2); c.2378A>G, p.Lys793Arg (NM_001346900.2); c.1736A>G, p.Lys579Arg (NM_001346941.2); short protein forms K579R, K793R, K801R, K846R.
Identifiers: ClinVar variation 1008401 (VCV001008401.8), dbSNP rs1787407168, ClinGen allele CA367580196.